The following is an entry in ClinVar:

NM_006218.4(PIK3CA):c.1897A>C (p.Ile633Leu)

Gene: PIK3CA (phosphatidylinositol-4,5-bisphosphate 3-kinase catalytic subunit alpha; plus strand). Cytogenetic location: 3q26.32.
Variant type: single nucleotide variant.
Coding change: c.1897A>C on transcript NM_006218.4 (MANE Select); coding-DNA position 1897, A replaced by C.
Protein change: p.Ile633Leu; replaces isoleucine 633 with leucine.
Molecular consequence: missense variant.
Genome position (GRCh38, 1-based): chr3:179,219,721, A>C. VCF-style: chr3-179219721-A-C. GRCh37 (hg19) VCF-style: chr3-178937509-A-C.
Other names: short protein forms I633L.
Identifiers: ClinVar variation 3888929 (VCV003888929.1).

ClinVar aggregate classification (germline): Uncertain significance (1 of 4 stars; one submission).

Conditions:
Inborn genetic diseases. Identifiers: MedGen C0950123, MeSH D030342.

Submission:

Ambry Genetics
Classification: Uncertain significance for Inborn genetic diseases. Last evaluated: 2025-01-20. Review status: criteria provided, single submitter. Criteria: Ambry Variant Classification Scheme 2023. Collection method: clinical testing. Allele origin: germline.
Comment: The p.I633L variant (also known as c.1897A>C), located in coding exon 11 of the PIK3CA gene, results from an A to C substitution at nucleotide position 1897. The isoleucine at codon 633 is replaced by leucine, an amino acid with highly similar properties. This amino acid position is conserved. In addition, the in silico prediction for this alteration is inconclusive. Based on the available evidence, the clinical significance of this variant remains unclear.